The following is an entry in ClinVar:

NM_145046.5(CALR3):c.21G>C (p.Gln7His)

Gene: CALR3 (calreticulin 3; minus strand). Cytogenetic location: 19p13.11.
Variant type: single nucleotide variant.
Coding change: c.21G>C on transcript NM_145046.5 (MANE Select); coding-DNA position 21, G replaced by C.
Protein change: p.Gln7His; replaces glutamine 7 with histidine.
Molecular consequence: missense variant.
Genome position (GRCh38, 1-based): chr19:16,496,109, C>G on the plus strand (G>C on the coding strand, the complement: CALR3 is on the minus strand). VCF-style: chr19-16496109-C-G. GRCh37 (hg19) VCF-style: chr19-16606920-C-G.
Other names: short protein forms Q7H.
Identifiers: ClinVar variation 1039014 (VCV001039014.9), dbSNP rs201886703, ClinGen allele CA9278546.

ClinVar aggregate classification (germline): Uncertain significance (1 of 4 stars; one submission).

Conditions:
Hypertrophic cardiomyopathy 19. Also called: Familial hypertrophic cardiomyopathy 19. Identifiers: MedGen CN077603, MONDO:0013476.

Allele frequency attached by ClinVar (database versions not stated): gnomAD exomes 0.00003; TOPMed 0.00003; ExAC 0.00008; ESP Exome Variant Server 0.00008.
gnomAD v4.1: 71 of 1,605,190 alleles (0.0044%); highest among the groups gnomAD compares: Non-Finnish European, 0.0058%; no homozygotes.

Submission:

Labcorp Genetics (formerly Invitae), Labcorp
Classification: Uncertain significance for Hypertrophic cardiomyopathy 19. Last evaluated: 2025-12-24. Review status: criteria provided, single submitter. Criteria: Invitae Variant Classification Sherloc (09022015). Collection method: clinical testing. Allele origin: germline.
Comment: This sequence change replaces glutamine, which is neutral and polar, with histidine, which is basic and polar, at codon 7 of the CALR3 protein (p.Gln7His). This variant is present in population databases (rs201886703, gnomAD 0.006%). This missense change has been observed in individual(s) with cardiomyopathy (PMID: 29988065). ClinVar contains an entry for this variant (Variation ID: 1039014). An algorithm developed to predict the effect of missense changes on protein structure and function outputs the following: PolyPhen-2: "Benign". The histidine amino acid residue is found in multiple mammalian species, which suggests that this missense change does not adversely affect protein function. In summary, the available evidence is currently insufficient to determine the role of this variant in disease. Therefore, it has been classified as a Variant of Uncertain Significance.

Literature cited by the submitters: PubMed 29988065.